The following is an entry in ClinVar:

ClinVar aggregate classification (germline): Uncertain significance (1 of 4 stars; one submission).

Conditions:
Autosomal dominant Alport syndrome (ATS3A). Also called: Alport syndrome dominant type; Renal failure and sensorineural hearing loss; ALPORT SYNDROME 3A, AUTOSOMAL DOMINANT. Identifiers: Orphanet 63, Orphanet 88918, MedGen C5882663, MONDO:0007086, OMIM 104200.

Allele frequency attached by ClinVar (database versions not stated): gnomAD exomes below 0.00001.
gnomAD v4.1: 1 of 1,613,528 alleles (0.000062%); highest among the groups gnomAD compares: Non-Finnish European, 0.000085%; no homozygotes.

Submission:

MVZ Medizinische Genetik Mainz
Classification: Uncertain significance for Autosomal dominant Alport syndrome. Last evaluated: 2022-06-07. Review status: criteria provided, single submitter. Criteria: UK Practice Guidelines For Variant Classification V4 01 2020. Collection method: clinical testing. Allele origin: germline. Inheritance: Autosomal recessive inheritance. Affected: yes. Observed: 1 variant allele.
Comment: ACMG Criteria: PM2_SUP, PP3

NM_000091.5(COL4A3):c.373T>G (p.Cys125Gly)

Genes: COL4A3 (collagen type IV alpha 3 chain; plus strand), MFF-DT (MFF divergent transcript; minus strand). Cytogenetic location: 2q36.3.
Variant type: single nucleotide variant.
Coding change: c.373T>G on transcript NM_000091.5 (MANE Select); coding-DNA position 373, T replaced by G.
Protein change: p.Cys125Gly; replaces cysteine 125 with glycine.
Molecular consequence: missense variant.
Genome position (GRCh38, 1-based): chr2:227,246,002, T>G. VCF-style: chr2-227246002-T-G. GRCh37 (hg19) VCF-style: chr2-228110718-T-G.
Other names: short protein forms C125G.
Identifiers: ClinVar variation 3236781 (VCV003236781.1), dbSNP rs2469502891.